The following is an entry in ClinVar:

NM_001080414.4(CCDC88C):c.5294G>C (p.Ser1765Thr)

Gene: CCDC88C (coiled-coil and HOOK domain protein 88C; minus strand). Cytogenetic location: 14q32.11.
Variant type: single nucleotide variant.
Coding change: c.5294G>C on transcript NM_001080414.4 (MANE Select); coding-DNA position 5294, G replaced by C.
Protein change: p.Ser1765Thr; replaces serine 1765 with threonine.
Molecular consequence: missense variant.
Genome position (GRCh38, 1-based): chr14:91,273,418, C>G on the plus strand (G>C on the coding strand, the complement: CCDC88C is on the minus strand). VCF-style: chr14-91273418-C-G. GRCh37 (hg19) VCF-style: chr14-91739762-C-G.
Other names: short protein forms S1765T.
Identifiers: ClinVar variation 2694237 (VCV002694237.3), dbSNP rs1483683666, ClinGen allele CA390610217.

ClinVar aggregate classification (germline): Uncertain significance (1 of 4 stars; one submission).

Submission:

Labcorp Genetics (formerly Invitae), Labcorp
Classification: Uncertain significance. Last evaluated: 2023-11-07. Review status: criteria provided, single submitter. Criteria: Invitae Variant Classification Sherloc (09022015). Collection method: clinical testing. Allele origin: germline.
Comment: This sequence change replaces serine, which is neutral and polar, with threonine, which is neutral and polar, at codon 1765 of the CCDC88C protein (p.Ser1765Thr). This variant is not present in population databases (gnomAD no frequency). This variant has not been reported in the literature in individuals affected with CCDC88C-related conditions. Algorithms developed to predict the effect of missense changes on protein structure and function output the following: SIFT: "Not Available"; PolyPhen-2: "Benign"; Align-GVGD: "Not Available". The threonine amino acid residue is found in multiple mammalian species, which suggests that this missense change does not adversely affect protein function. In summary, the available evidence is currently insufficient to determine the role of this variant in disease. Therefore, it has been classified as a Variant of Uncertain Significance.